The following is an entry in ClinVar:

NM_001042492.3(NF1):c.6302C>T (p.Pro2101Leu)

Gene: NF1 (neurofibromin 1; plus strand). Cytogenetic location: 17q11.2.
Variant type: single nucleotide variant.
Coding change: c.6302C>T on transcript NM_001042492.3 (MANE Select); coding-DNA position 6302, C replaced by T.
Protein change: p.Pro2101Leu; replaces proline 2101 with leucine.
Molecular consequence: missense variant.
Genome position (GRCh38, 1-based): chr17:31,336,789, C>T. VCF-style: chr17-31336789-C-T. GRCh37 (hg19) VCF-style: chr17-29663807-C-T.
Other names: c.6239C>T, p.Pro2080Leu (NM_000267.4); short protein forms P2080L, P2101L.
Identifiers: ClinVar variation 1060058 (VCV001060058.5), dbSNP rs756746198, ClinGen allele CA8487331.

ClinVar aggregate classification (germline): Uncertain significance (1 of 4 stars; one submission).

Conditions:
Neurofibromatosis, type 1 (NF1). Also called: NEUROFIBROMATOSIS, TYPE I, SOMATIC; Neurofibromatosis, type I; VON RECKLINGHAUSEN DISEASE; Peripheral type neurofibromatosis. Identifiers: Orphanet 636, MedGen C0027831, MONDO:0018975, OMIM 162200. Disease mechanism: loss of function.

Allele frequency attached by ClinVar (database versions not stated): ExAC 0.00001.

Submission:

Labcorp Genetics (formerly Invitae), Labcorp
Classification: Uncertain significance for Neurofibromatosis, type 1. Last evaluated: 2025-11-26. Review status: criteria provided, single submitter. Criteria: Invitae Variant Classification Sherloc (09022015). Collection method: clinical testing. Allele origin: germline.
Comment: This sequence change replaces proline, which is neutral and non-polar, with leucine, which is neutral and non-polar, at codon 2080 of the NF1 protein (p.Pro2080Leu). This variant is not present in population databases (gnomAD no frequency). This variant has not been reported in the literature in individuals affected with NF1-related conditions. ClinVar contains an entry for this variant (Variation ID: 1060058). Invitae Evidence Modeling of protein sequence and biophysical properties (such as structural, functional, and spatial information, amino acid conservation, physicochemical variation, residue mobility, and thermodynamic stability) indicates that this missense variant is expected to disrupt NF1 protein function with a positive predictive value of 95%. In summary, the available evidence is currently insufficient to determine the role of this variant in disease. Therefore, it has been classified as a Variant of Uncertain Significance.